The following is an entry in ClinVar:

ClinVar aggregate classification (germline): Uncertain significance (1 of 4 stars; one submission).

Submission:

Labcorp Genetics (formerly Invitae), Labcorp
Classification: Uncertain significance. Last evaluated: 2023-07-26. Review status: criteria provided, single submitter. Criteria: Invitae Variant Classification Sherloc (09022015). Collection method: clinical testing. Allele origin: germline.
Comment: ClinVar contains an entry for this variant (Variation ID: 1381265). This sequence change falls in intron 23 of the COL4A1 gene. It does not directly change the encoded amino acid sequence of the COL4A1 protein. This variant is not present in population databases (gnomAD no frequency). This variant has not been reported in the literature in individuals affected with COL4A1-related conditions. Algorithms developed to predict the effect of sequence changes on RNA splicing suggest that this variant may disrupt the consensus splice site. In summary, the available evidence is currently insufficient to determine the role of this variant in disease. Therefore, it has been classified as a Variant of Uncertain Significance.

NM_001845.6(COL4A1):c.1466-8C>G

Gene: COL4A1 (collagen type IV alpha 1 chain; minus strand). Cytogenetic location: 13q34.
Variant type: single nucleotide variant.
Coding change: c.1466-8C>G on transcript NM_001845.6 (MANE Select); 8 bases into the intron before coding-DNA position 1466, C replaced by G.
Molecular consequence: intron variant.
Genome position (GRCh38, 1-based): chr13:110,192,292, G>C on the plus strand (C>G on the coding strand, the complement: COL4A1 is on the minus strand). VCF-style: chr13-110192292-G-C. GRCh37 (hg19) VCF-style: chr13-110844639-G-C.
Other names: c.1466-8C>G (NM_001303110.2).
Identifiers: ClinVar variation 1381265 (VCV001381265.6), dbSNP rs370479261, ClinGen allele CA2573149438.